The following is an entry in ClinVar:

ClinVar aggregate classification (germline): Uncertain significance (1 of 4 stars; one submission).

Allele frequency attached by ClinVar (database versions not stated): gnomAD exomes 0.00001; TOPMed 0.00001.
gnomAD v4.1: 13 of 1,613,982 alleles (0.00081%); highest among the groups gnomAD compares: Non-Finnish European, 0.0011%; no homozygotes.

Submission:

Labcorp Genetics (formerly Invitae), Labcorp
Classification: Uncertain significance. Last evaluated: 2022-08-07. Review status: criteria provided, single submitter. Criteria: Invitae Variant Classification Sherloc (09022015). Collection method: clinical testing. Allele origin: germline.
Comment: This variant has not been reported in the literature in individuals affected with FREM2-related conditions. Algorithms developed to predict the effect of missense changes on protein structure and function output the following: SIFT: "Deleterious"; PolyPhen-2: "Benign"; Align-GVGD: "Class C0". The alanine amino acid residue is found in multiple mammalian species, which suggests that this missense change does not adversely affect protein function. In summary, the available evidence is currently insufficient to determine the role of this variant in disease. Therefore, it has been classified as a Variant of Uncertain Significance. This variant is not present in population databases (gnomAD no frequency). This sequence change replaces threonine, which is neutral and polar, with alanine, which is neutral and non-polar, at codon 1111 of the FREM2 protein (p.Thr1111Ala).

NM_207361.6(FREM2):c.3331A>G (p.Thr1111Ala)

Gene: FREM2 (FRAS1 related extracellular matrix 2; plus strand). Cytogenetic location: 13q13.3.
Variant type: single nucleotide variant.
Coding change: c.3331A>G on transcript NM_207361.6 (MANE Select); coding-DNA position 3331, A replaced by G.
Protein change: p.Thr1111Ala; replaces threonine 1111 with alanine.
Molecular consequence: missense variant.
Genome position (GRCh38, 1-based): chr13:38,690,675, A>G. VCF-style: chr13-38690675-A-G. GRCh37 (hg19) VCF-style: chr13-39264812-A-G.
Other names: short protein forms T1111A.
Identifiers: ClinVar variation 2092156 (VCV002092156.3), dbSNP rs772715459, ClinGen allele CA248290790.